The following is an entry in ClinVar:

NM_207352.4(CYP4V2):c.841G>A (p.Asp281Asn)

Gene: CYP4V2 (cytochrome P450 family 4 subfamily V member 2; plus strand). Cytogenetic location: 4q35.2.
Variant type: single nucleotide variant.
Coding change: c.841G>A on transcript NM_207352.4 (MANE Select); coding-DNA position 841, G replaced by A.
Protein change: p.Asp281Asn; replaces aspartic acid 281 with asparagine.
Molecular consequence: missense variant.
Genome position (GRCh38, 1-based): chr4:186,201,196, G>A. VCF-style: chr4-186201196-G-A. GRCh37 (hg19) VCF-style: chr4-187122350-G-A.
Other names: short protein forms D281N.
Identifiers: ClinVar variation 899528 (VCV000899528.13), dbSNP rs913510827, ClinGen allele CA112127706.

ClinVar aggregate classification (germline): Uncertain significance. Review status: criteria provided, multiple submitters, no conflicts (2 of 4 stars). 4 submissions from 3 submitters: Uncertain significance (4). Last evaluated 2022-05-12.

Conditions:
Corneal dystrophy. Identifiers: Orphanet 34533, MedGen C0010036, MONDO:0018102, HP:0001131.
Bietti crystalline corneoretinal dystrophy (BCD). Also called: Bietti Crystalline Dystrophy; BIETTI TAPETORETINAL DEGENERATION WITH MARGINAL CORNEAL DYSTROPHY. Identifiers: Orphanet 41751, MedGen C1859486, MONDO:0008865, OMIM 210370.

Allele frequency attached by ClinVar (database versions not stated): gnomAD exomes below 0.00001 and 0.00001.
gnomAD v4.1: 5 of 1,614,164 alleles (0.00031%); highest among the groups gnomAD compares: Admixed American, 0.0017%; no homozygotes.

Submissions (4):

Blueprint Genetics
Classification: Uncertain significance. Last evaluated: 2022-05-12. Review status: criteria provided, single submitter. Criteria: ACMG Guidelines, 2015. Collection method: clinical testing. Allele origin: germline.

Labcorp Genetics (formerly Invitae), Labcorp
Classification: Uncertain significance. Last evaluated: 2020-09-15. Review status: criteria provided, single submitter. Criteria: Invitae Variant Classification Sherloc (09022015). Collection method: clinical testing. Allele origin: germline.
Comment: In summary, the available evidence is currently insufficient to determine the role of this variant in disease. Therefore, it has been classified as a Variant of Uncertain Significance. Advanced modeling of protein sequence and biophysical properties (such as structural, functional, and spatial information, amino acid conservation, physicochemical variation, residue mobility, and thermodynamic stability) performed at Invitae indicates that this missense variant is not expected to disrupt CYP4V2 protein function. This variant has not been reported in the literature in individuals with CYP4V2-related conditions. ClinVar contains an entry for this variant (Variation ID: 899528). This variant is not present in population databases (ExAC no frequency). This sequence change replaces aspartic acid with asparagine at codon 281 of the CYP4V2 protein (p.Asp281Asn). The aspartic acid residue is weakly conserved and there is a small physicochemical difference between aspartic acid and asparagine.

Illumina Laboratory Services, Illumina
Classification: Uncertain significance for Bietti crystalline corneoretinal dystrophy. Last evaluated: 2018-01-13. Review status: criteria provided, single submitter. Criteria: ICSL Variant Classification Criteria 13 December 2019. Collection method: clinical testing. Allele origin: germline.

Illumina Laboratory Services, Illumina
Classification: Uncertain significance for Corneal dystrophy. Last evaluated: 2018-01-13. Review status: criteria provided, single submitter. Criteria: ICSL Variant Classification Criteria 13 December 2019. Collection method: clinical testing. Allele origin: germline.